The following is an entry in ClinVar:

NM_001211.6(BUB1B):c.2711A>G (p.Asn904Ser)

Genes: BUB1B (BUB1 mitotic checkpoint serine/threonine kinase B; plus strand), BUB1B-PAK6 (BUB1B-PAK6 readthrough; plus strand). Cytogenetic location: 15q15.1.
Variant type: single nucleotide variant.
Coding change: c.2711A>G on transcript NM_001211.6 (MANE Select); coding-DNA position 2711, A replaced by G.
Protein change: p.Asn904Ser; replaces asparagine 904 with serine.
Molecular consequence: missense variant. On other transcripts: 5 prime UTR variant (2).
Genome position (GRCh38, 1-based): chr15:40,217,528, A>G. VCF-style: chr15-40217528-A-G. GRCh37 (hg19) VCF-style: chr15-40509729-A-G.
Other names: c.-340A>G (NM_001128628.3); c.-257A>G (NM_001128629.3); short protein forms N904S.
Identifiers: ClinVar variation 2560838 (VCV002560838.2), dbSNP rs1327855653, ClinGen allele CA391687521.

ClinVar aggregate classification (germline): Uncertain significance (1 of 4 stars; one submission).

Conditions:
Inborn genetic diseases. Identifiers: MedGen C0950123, MeSH D030342.

Allele frequency attached by ClinVar (database versions not stated): gnomAD 0.00001; TOPMed 0.00001.
gnomAD v4.1: 6 of 1,614,016 alleles (0.00037%); highest among the groups gnomAD compares: Non-Finnish European, 0.00051%; no homozygotes.

Submission:

Ambry Genetics
Classification: Uncertain significance for Inborn genetic diseases. Last evaluated: 2023-05-25. Review status: criteria provided, single submitter. Criteria: Ambry Variant Classification Scheme 2023. Collection method: clinical testing. Allele origin: germline.
Comment: The p.N904S variant (also known as c.2711A>G), located in coding exon 21 of the BUB1B gene, results from an A to G substitution at nucleotide position 2711. The asparagine at codon 904 is replaced by serine, an amino acid with highly similar properties. This amino acid position is conserved. In addition, this alteration is predicted to be tolerated by in silico analysis. Since supporting evidence is limited at this time, the clinical significance of this alteration remains unclear.